The following is an entry in ClinVar:

NM_000540.3(RYR1):c.10622C>A (p.Ala3541Asp)

Gene: RYR1 (ryanodine receptor 1; plus strand). Cytogenetic location: 19q13.2.
Variant type: single nucleotide variant.
Coding change: c.10622C>A on transcript NM_000540.3 (MANE Select); coding-DNA position 10622, C replaced by A.
Protein change: p.Ala3541Asp; replaces alanine 3541 with aspartic acid.
Molecular consequence: missense variant.
Genome position (GRCh38, 1-based): chr19:38,525,498, C>A. VCF-style: chr19-38525498-C-A. GRCh37 (hg19) VCF-style: chr19-39016138-C-A.
Other names: c.10607C>A, p.Ala3536Asp (NM_001042723.2); short protein forms A3536D, A3541D.
Identifiers: ClinVar variation 1020744 (VCV001020744.8), dbSNP rs751242873, ClinGen allele CA054145.

ClinVar aggregate classification (germline): Uncertain significance (1 of 4 stars; one submission).

Conditions:
RYR1-related disorder. Also called: RYR1-related condition; RYR1-related disorders. Identifiers: MedGen CN239331.

gnomAD v4.1: 3 of 1,613,860 alleles (0.00019%); highest among the groups gnomAD compares: Admixed American, 0.0017%; no homozygotes.

Submission:

Labcorp Genetics (formerly Invitae), Labcorp
Classification: Uncertain significance for RYR1-related disorder. Last evaluated: 2022-10-04. Review status: criteria provided, single submitter. Criteria: Invitae Variant Classification Sherloc (09022015). Collection method: clinical testing. Allele origin: germline.
Comment: In summary, the available evidence is currently insufficient to determine the role of this variant in disease. Therefore, it has been classified as a Variant of Uncertain Significance. Advanced modeling of protein sequence and biophysical properties (such as structural, functional, and spatial information, amino acid conservation, physicochemical variation, residue mobility, and thermodynamic stability) performed at Invitae indicates that this missense variant is not expected to disrupt RYR1 protein function. ClinVar contains an entry for this variant (Variation ID: 1020744). This variant has not been reported in the literature in individuals affected with RYR1-related conditions. This variant is present in population databases (rs751242873, gnomAD 0.0009%). This sequence change replaces alanine, which is neutral and non-polar, with aspartic acid, which is acidic and polar, at codon 3541 of the RYR1 protein (p.Ala3541Asp).